The following is an entry in ClinVar:

NM_001042432.2(CLN3):c.1265T>C (p.Leu422Pro)

Gene: CLN3 (CLN3 lysosomal/endosomal transmembrane protein, battenin; minus strand). Cytogenetic location: 16p12.1.
Variant type: single nucleotide variant.
Coding change: c.1265T>C on transcript NM_001042432.2 (MANE Select); coding-DNA position 1265, T replaced by C.
Protein change: p.Leu422Pro; replaces leucine 422 with proline.
Molecular consequence: missense variant.
Genome position (GRCh38, 1-based): chr16:28,477,568, A>G on the plus strand (T>C on the coding strand, the complement: CLN3 is on the minus strand). VCF-style: chr16-28477568-A-G. GRCh37 (hg19) VCF-style: chr16-28488889-A-G.
Other names: c.1265T>C, p.Leu422Pro (NM_000086.2); c.1193T>C, p.Leu398Pro (NM_001286104.2); c.965T>C, p.Leu322Pro (NM_001286105.2); c.1031T>C, p.Leu344Pro (NM_001286109.2); c.1103T>C, p.Leu368Pro (NM_001286110.2); short protein forms L322P, L344P, L368P, L398P, L422P.
Identifiers: ClinVar variation 1002045 (VCV001002045.7), dbSNP rs2046014482, ClinGen allele CA395341887.

ClinVar aggregate classification (germline): Likely pathogenic (1 of 4 stars; one submission).

Conditions:
Neuronal ceroid lipofuscinosis. Also called: Neuronal Ceroid Lipofuscinoses. Identifiers: Orphanet 216, Orphanet 79263, MedGen C0027877, MONDO:0016295. Disease mechanism: loss of function.

Allele frequency attached by ClinVar (database versions not stated): gnomAD exomes below 0.00001.
gnomAD v4.1: 1 of 1,613,972 alleles (0.000062%); highest among the groups gnomAD compares: Non-Finnish European, 0.000085%; no homozygotes.

Submission:

Labcorp Genetics (formerly Invitae), Labcorp
Classification: Likely pathogenic for Neuronal ceroid lipofuscinosis. Last evaluated: 2025-05-05. Review status: criteria provided, single submitter. Criteria: Invitae Variant Classification Sherloc (09022015). Collection method: clinical testing. Allele origin: germline.
Comment: This sequence change replaces leucine, which is neutral and non-polar, with proline, which is neutral and non-polar, at codon 422 of the CLN3 protein (p.Leu422Pro). This variant is not present in population databases (gnomAD no frequency). This missense change has been observed in individual(s) with retinitis pigmentosa (internal data). In at least one individual the data is consistent with being in trans (on the opposite chromosome) from a pathogenic variant. ClinVar contains an entry for this variant (Variation ID: 1002045). Invitae Evidence Modeling of protein sequence and biophysical properties (such as structural, functional, and spatial information, amino acid conservation, physicochemical variation, residue mobility, and thermodynamic stability) indicates that this missense variant is expected to disrupt CLN3 protein function with a positive predictive value of 95%. In summary, the currently available evidence indicates that the variant is pathogenic, but additional data are needed to prove that conclusively. Therefore, this variant has been classified as Likely Pathogenic.